The following is an entry in ClinVar:

ClinVar aggregate classification (germline): Likely benign (1 of 4 stars; one submission).

Conditions:
Cystic fibrosis (CF). Also called: MUCOVISCIDOSIS. Identifiers: Orphanet 586, MedGen C0010674, MONDO:0009061, OMIM 219700. Disease mechanism: loss of function.

gnomAD v4.1: 2 of 152,200 alleles (0.0013%); highest among the groups gnomAD compares: Non-Finnish European, 0.0029%; no homozygotes.

Submission:

Johns Hopkins Genomics, Johns Hopkins University
Classification: Likely benign for Cystic fibrosis. Last evaluated: 2025-06-10. Review status: criteria provided, single submitter. Criteria: ACMG Guidelines, 2015. Collection method: clinical testing. Allele origin: germline.
Comment: This variant is classified as likely benign (PM2, PP4, BP4, BP7).

NM_000492.4(CFTR):c.2657+185T>C

Gene: CFTR (CF transmembrane conductance regulator; plus strand). Cytogenetic location: 7q31.2.
Variant type: single nucleotide variant.
Coding change: c.2657+185T>C on transcript NM_000492.4 (MANE Select); 185 bases into the intron after coding-DNA position 2657, T replaced by C.
Molecular consequence: intron variant.
Genome position (GRCh38, 1-based): chr7:117,603,048, T>C. VCF-style: chr7-117603048-T-C. GRCh37 (hg19) VCF-style: chr7-117243102-T-C.
Identifiers: ClinVar variation 4280090 (VCV004280090.1).